The following is an entry in ClinVar:

NM_177433.3(MAGED2):c.934G>T (p.Glu312Ter)

Gene: MAGED2 (MAGE family member D2; plus strand). Cytogenetic location: Xp11.21.
Variant type: single nucleotide variant.
Coding change: c.934G>T on transcript NM_177433.3 (MANE Select); coding-DNA position 934, G replaced by T.
Protein change: p.Glu312Ter; replaces glutamic acid 312 with a stop codon.
Molecular consequence: nonsense.
Genome position (GRCh38, 1-based): chrX:54,811,597, G>T. VCF-style: chrX-54811597-G-T. GRCh37 (hg19) VCF-style: chrX-54838030-G-T.
Other names: c.934G>T, p.Glu312Ter (NM_014599.6, NM_201222.3); short protein forms E312*.
Identifiers: ClinVar variation 2630257 (VCV002630257.2), dbSNP rs2519305610, ClinGen allele CA413271966.
Genomic context (GRCh38, chrX:54,811,597, plus strand): 5'-TCTTCAGTCAGGTGCTCACAACACTCTCCCCTTGCAGACATGCTGAAGGACATCATCAAA[G>T]AATACACTGATGTGTACCCCGAAATCATTGAACGAGCAGGCTATTCCTTGGAGAAGGTGA-3'

ClinVar aggregate classification (germline): Conflicting classifications of pathogenicity. Review status: criteria provided, conflicting classifications (1 of 4 stars). 2 submissions from 2 submitters: Likely pathogenic (1); Uncertain significance (1). Last evaluated 2023-07-20.

Conditions:
MAGED2-related disorder. Also called: MAGED2-related condition.

Submissions (2):

GeneDx
Classification: Uncertain significance. Last evaluated: 2023-07-20. Review status: criteria provided, single submitter. Criteria: GeneDx Variant Classification Process June 2021. Collection method: clinical testing. Allele origin: germline. Affected: yes.
Comment: Nonsense variant predicted to result in protein truncation or nonsense mediated decay in a gene for which loss of function is not a known mechanism of disease; Not observed at significant frequency in large population cohorts (gnomAD); Has not been previously published as pathogenic or benign to our knowledge

PreventionGenetics, part of Exact Sciences
Classification: Likely pathogenic for MAGED2-related condition. Last evaluated: 2023-02-14. Review status: criteria provided, single submitter. Criteria: ACMG Guidelines, 2015. Collection method: clinical testing. Allele origin: germline.
Comment: The MAGED2 c.934G>T variant is predicted to result in premature protein termination (p.Glu312*). To our knowledge, this variant has not been reported in the literature or in a large population database, indicating this variant is rare. Nonsense variants in MAGED2 are expected to be pathogenic. This variant is interpreted as likely pathogenic.